The following is an entry in ClinVar:

NM_001377295.2(GNAT2):c.370G>A (p.Val124Met)

Gene: GNAT2 (G protein subunit alpha transducin 2; minus strand). Cytogenetic location: 1p13.3.
Variant type: single nucleotide variant.
Coding change: c.370G>A on transcript NM_001377295.2 (MANE Select); coding-DNA position 370, G replaced by A.
Protein change: p.Val124Met; replaces valine 124 with methionine.
Molecular consequence: missense variant.
Genome position (GRCh38, 1-based): chr1:109,608,722, C>T on the plus strand (G>A on the coding strand, the complement: GNAT2 is on the minus strand). VCF-style: chr1-109608722-C-T. GRCh37 (hg19) VCF-style: chr1-110151344-C-T.
Other names: c.370G>A, p.Val124Met (NM_001379232.1, NM_005272.5); short protein forms V124M.
Identifiers: ClinVar variation 197251 (VCV000197251.47), dbSNP rs41280330, ClinGen allele CA202776.
Genomic context (GRCh38, chr1:109,608,722, plus strand): 5'-CAGCTCTCTCGAAGCAGGCTTGCACCCCACCATCCTTCCACAACCTCCTAATGACCTCCA[C>T]GAGCTCAGGAGGCATGGTTCCCTCCTCAATGGAGTCAGCCAGGTTGTTGAGCTGTCGCCC-3'
Protein context (NP_001364224.1, residues 114-134): IEEGTMPPEL[Val124Met]EVIRRLWKDG

ClinVar aggregate classification (germline): Conflicting classifications of pathogenicity. Review status: criteria provided, conflicting classifications (1 of 4 stars). 10 submissions from 10 submitters: Uncertain significance (1); Likely benign (8). 1 of the submissions does not count toward it. Last evaluated 2026-03-01.

Conditions:
GNAT2-related disorder. Also called: GNAT2-related condition.
Retinal dystrophy. Also called: Inherited retinal dystrophy. Identifiers: Orphanet 71862, MedGen C0854723, MeSH D058499, MONDO:0019118, HP:0000556.
Achromatopsia 4 (ACHM4). Identifiers: Orphanet 49382, MedGen C1841721, MONDO:0013465, OMIM 613856.

Allele frequency attached by ClinVar (database versions not stated): 1000 Genomes Project 0.00260; 1000 Genomes Project 30x 0.00265; gnomAD 0.00428 and 0.00439; TOPMed 0.00437; ESP Exome Variant Server 0.00446; gnomAD exomes 0.00515 and 0.00695; ExAC 0.00544.
gnomAD v4.1: 10,802 of 1,613,258 alleles (0.67%); highest among the groups gnomAD compares: Non-Finnish European, 0.78%; 48 homozygotes.

Submissions (10):

CeGaT Center for Human Genetics Tuebingen
Classification: Likely benign. Last evaluated: 2026-03-01. Review status: criteria provided, single submitter. Criteria: CeGaT Center For Human Genetics Tuebingen Variant Classification Criteria Version 2. Collection method: clinical testing. Allele origin: germline. Affected: yes. Observed: 4 variant alleles.
Comment: GNAT2: BS2

Labcorp Genetics (formerly Invitae), Labcorp
Classification: Likely benign. Last evaluated: 2026-01-27. Review status: criteria provided, single submitter. Criteria: Invitae Variant Classification Sherloc (09022015). Collection method: clinical testing. Allele origin: germline.

Blueprint Genetics
Classification: Likely benign. Last evaluated: 2024-11-23. Review status: criteria provided, single submitter. Criteria: ACMG Guidelines, 2015. Collection method: clinical testing. Allele origin: germline.

Genome-Nilou Lab
Classification: Likely benign for Achromatopsia 4. Last evaluated: 2023-04-11. Review status: criteria provided, single submitter. Criteria: ACMG Guidelines, 2015. Collection method: clinical testing. Allele origin: germline. Affected: no.

Department of Pathology and Laboratory Medicine, Sinai Health System
Classification: Likely benign for Achromatopsia 4. Last evaluated: 2020-06-30. Review status: criteria provided, single submitter. Criteria: ACMG Guidelines, 2015. Collection method: research. Allele origin: germline.

Institute of Human Genetics, Univ. Regensburg, Univ. Regensburg
Classification: Uncertain significance for Retinal dystrophy. Last evaluated: 2019-01-01. Review status: criteria provided, single submitter. Criteria: ACMG Guidelines, 2015. Collection method: clinical testing. Allele origin: germline. Affected: yes.

Illumina Laboratory Services, Illumina
Classification: Likely benign for Achromatopsia 4. Last evaluated: 2018-01-13. Review status: criteria provided, single submitter. Criteria: ICSL Variant Classification Criteria 13 December 2019. Collection method: clinical testing. Allele origin: germline.
Comment: This variant was observed in the ICSL laboratory as part of a predisposition screen in an ostensibly healthy population. It had not been previously curated by ICSL or reported in the Human Gene Mutation Database (HGMD: prior to June 1st, 2018), and was therefore a candidate for classification through an automated scoring system. Utilizing variant allele frequency, disease prevalence and penetrance estimates, and inheritance mode, an automated score was calculated to assess if this variant is too frequent to cause the disease. Based on the score and internal cut-off values, a variant classified as likely benign is not then subjected to further curation. The score for this variant resulted in a classification of likely benign for this disease.

Eurofins Ntd Llc (ga)
Classification: Likely benign. Last evaluated: 2014-11-11. Review status: criteria provided, single submitter. Criteria: EGL Classification Definitions 2015. Collection method: clinical testing. Allele origin: germline. Observed: 2 variant alleles, 2 heterozygotes.

Breakthrough Genomics
Classification: Likely benign. Review status: criteria provided, single submitter. Criteria: ACMG Guidelines, 2015. Collection method: not provided. Allele origin: germline. Inheritance: Unknown mechanism. Affected: yes.

PreventionGenetics, part of Exact Sciences
Classification: Benign for GNAT2-related condition. Last evaluated: 2019-10-16. Review status: no assertion criteria provided. Collection method: clinical testing. Allele origin: germline. Not counted in ClinVar's aggregate classification.
Comment: This variant is classified as benign based on ACMG/AMP sequence variant interpretation guidelines (Richards et al. 2015 PMID: 25741868, with internal and published modifications).

Literature cited by the submitters: PubMed 27479814 (cited by Institute of Human Genetics, Univ. Regensburg, Univ. Regensburg).